The following is an entry in ClinVar:

ClinVar aggregate classification (germline): Pathogenic. Review status: reviewed by expert panel (3 of 4 stars). 2 submissions from 2 submitters: Pathogenic (1). 1 of the submissions does not count toward it. Last evaluated 2025-05-02.

Conditions:
Hereditary thrombocytopenia and hematologic cancer predisposition syndrome. Identifiers: Orphanet 71290, MedGen CN281654, MONDO:0011071.
Hereditary thrombocytopenia and hematological cancer predisposition syndrome associated with RUNX1. Also called: Familial Platelet Disorder with Propensity to Acute Myelogenous Leukemia; Familial thrombocytopenia with propensity to acute myelogenous leukemia; PLATELET DISORDER, ASPIRIN-LIKE; RUNX1 Familial Platelet Disorder with Associated Myeloid Malignancies. Identifiers: Orphanet 71290, MedGen C1832388, MeSH C563324, MONDO:0100083, OMIM 601399.

Submissions (2):

ClinGen Myeloid Malignancy Variant Curation Expert Panel
Classification: Pathogenic for Hereditary thrombocytopenia and hematologic cancer predisposition syndrome. Last evaluated: 2025-05-02. Review status: reviewed by expert panel. Criteria: ClinGen MyeloMalig ACMG Specifications v2. Collection method: curation. Allele origin: germline. Inheritance: Autosomal dominant inheritance.
Comment: NM_001754.5(RUNX1):c.423_427del (p.Leu144LysfsTer14) is a frameshift variant which is predicted to undergo nonsense-mediated decay in a gene in which loss-of-function is an established mechanism (frameshift (+) c.98–c.779 as per VCEP specifications) (PVS1). This variant is completely absent from all population databases with at least 20x coverage for RUNX1 (PM2_Supporting). This variant is downstream of c.98 (PM5_Supporting). In summary, this variant meets criteria to be classified as pathogenic. ACMG/AMP criteria applied, as specified by the Myeloid Malignancy Variant Curation Expert Panel for RUNX1: PVS1, PM2_Supporting, PM5_Supporting.

Labcorp Genetics (formerly Invitae), Labcorp
Classification: Pathogenic for Hereditary thrombocytopenia and hematological cancer predisposition syndrome associated with RUNX1. Last evaluated: 2024-09-01. Review status: criteria provided, single submitter. Criteria: Invitae Variant Classification Sherloc (09022015). Collection method: clinical testing. Allele origin: germline. Not counted in ClinVar's aggregate classification.
Comment: This sequence change creates a premature translational stop signal (p.Leu144Lysfs*14) in the RUNX1 gene. It is expected to result in an absent or disrupted protein product. Loss-of-function variants in RUNX1 are known to be pathogenic (PMID: 18723428, 24100448). This variant is not present in population databases (gnomAD no frequency). This variant has not been reported in the literature in individuals affected with RUNX1-related conditions. For these reasons, this variant has been classified as Pathogenic.

Literature cited by the submitters: PubMed 18723428 (cited by Labcorp Genetics (formerly Invitae), Labcorp); PubMed 24100448 (cited by Labcorp Genetics (formerly Invitae), Labcorp).

NM_001754.5(RUNX1):c.423_427del (p.Leu144fs)

Genes: RUNX1 (RUNX family transcription factor 1; minus strand), RUNX1-AS1 (RUNX1 antisense RNA 1; plus strand). Cytogenetic location: 21q22.12.
Variant type: Deletion.
Coding change: c.423_427del on transcript NM_001754.5 (MANE Select); coding-DNA positions 423 to 427, 5 bases deleted (GGCTG; older notation c.423_427delGGCTG).
Protein change: p.Leu144fs; shifts the reading frame from leucine 144.
Molecular consequence: frameshift variant.
Genome position (GRCh38, 1-based): chr21:34,880,638-34,880,642, CAGCC deleted on the plus strand (GGCTG on the coding strand, the reverse complement: RUNX1 is on the minus strand). VCF-style (leftmost placement, unchanged base first): chr21-34880637-TCAGCC-T. GRCh37 (hg19) VCF-style: chr21-36252934-TCAGCC-T.
Other names: NM_001754.5(RUNX1):c.423_427del; p.Leu144fs; c.342_346del, p.Leu117fs (NM_001001890.3, NM_001122607.2); short protein forms L144fs, L117fs.
Identifiers: ClinVar variation 3662819 (VCV003662819.3).